The following is an entry in ClinVar:

ClinVar aggregate classification (germline): Benign. Review status: criteria provided, multiple submitters, no conflicts (2 of 4 stars). 4 submissions from 4 submitters: Benign (4). Last evaluated 2026-01-14.

Conditions:
Microcytic anemia. Identifiers: MedGen C5194182, MONDO:0001245, HP:0001935. Disease mechanism: loss of function.

Allele frequency attached by ClinVar (database versions not stated): ESP Exome Variant Server 0.00484; gnomAD 0.00531 and 0.00772; gnomAD exomes 0.00566 and 0.01233; TOPMed 0.00627; ExAC 0.01403; 1000 Genomes Project 30x 0.02670; 1000 Genomes Project 0.02776.
gnomAD v4.1: 9,551 of 1,613,282 alleles (0.59%); highest among the groups gnomAD compares: South Asian, 8.4%; 412 homozygotes.

Submissions (4):

Labcorp Genetics (formerly Invitae), Labcorp
Classification: Benign. Last evaluated: 2026-01-14. Review status: criteria provided, single submitter. Criteria: Invitae Variant Classification Sherloc (09022015). Collection method: clinical testing. Allele origin: germline.

Mayo Clinic Laboratories, Mayo Clinic
Classification: Benign. Last evaluated: 2024-06-11. Review status: criteria provided, single submitter. Criteria: ACMG Guidelines, 2015. Collection method: clinical testing. Allele origin: germline. Observed: 15 variant alleles.
Comment: BS1, BS2, BP4

Illumina Laboratory Services, Illumina
Classification: Benign for Iron-refractory iron deficiency anemia. Last evaluated: 2018-01-13. Review status: criteria provided, single submitter. Criteria: ICSL Variant Classification Criteria 13 December 2019. Collection method: clinical testing. Allele origin: germline.
Comment: This variant was observed in the ICSL laboratory as part of a predisposition screen in an ostensibly healthy population. It had not been previously curated by ICSL or reported in the Human Gene Mutation Database (HGMD: prior to June 1st, 2018), and was therefore a candidate for classification through an automated scoring system. Utilizing variant allele frequency, disease prevalence and penetrance estimates, and inheritance mode, an automated score was calculated to assess if this variant is too frequent to cause the disease. Based on the score and internal cut-off values, a variant classified as benign is not then subjected to further curation. The score for this variant resulted in a classification of benign for this disease.

Breakthrough Genomics
Classification: Benign. Review status: criteria provided, single submitter. Criteria: ACMG Guidelines, 2015. Collection method: not provided. Allele origin: germline. Inheritance: Autosomal recessive inheritance. Affected: yes.

Literature cited by the submitters: PubMed 33930800 (cited by Mayo Clinic Laboratories, Mayo Clinic).

NM_001374504.1(TMPRSS6):c.1636C>T (p.Pro546Ser)

Gene: TMPRSS6 (transmembrane serine protease 6; minus strand). Cytogenetic location: 22q12.3.
Variant type: single nucleotide variant.
Coding change: c.1636C>T on transcript NM_001374504.1 (MANE Select); coding-DNA position 1636, C replaced by T.
Protein change: p.Pro546Ser; replaces proline 546 with serine.
Molecular consequence: missense variant.
Genome position (GRCh38, 1-based): chr22:37,070,952, G>A on the plus strand (C>T on the coding strand, the complement: TMPRSS6 is on the minus strand). VCF-style: chr22-37070952-G-A. GRCh37 (hg19) VCF-style: chr22-37466992-G-A.
Other names: p.Pro555Ser; c.1636C>T, p.Pro546Ser (NM_001289000.2, NM_001289001.2, NM_153609.4); c.1663C>T (NM_153609.3); short protein forms P546S.
Identifiers: ClinVar variation 341582 (VCV000341582.14), dbSNP rs78174698, ClinGen allele CA10215529.